The following is an entry in ClinVar:

ClinVar aggregate classification (germline): Uncertain significance (1 of 4 stars; one submission).

Submission:

Ambry Genetics
Classification: Uncertain significance. Last evaluated: 2021-05-18. Review status: criteria provided, single submitter. Criteria: Ambry Variant Classification Scheme 2023. Collection method: clinical testing. Allele origin: germline.
Comment: The c.1334-5A>G intronic variant results from an A to G substitution 5 nucleotides upstream from coding exon 10 in the RINT1 gene. This nucleotide position is not well conserved in available vertebrate species. In silico splice site analysis predicts that this alteration will not have any significant effect on splicing. Since supporting evidence is limited at this time, the clinical significance of this alteration remains unclear.

NM_021930.6(RINT1):c.1334-5A>G

Gene: RINT1 (RAD50 interactor 1; plus strand). Cytogenetic location: 7q22.3.
Variant type: single nucleotide variant.
Coding change: c.1334-5A>G on transcript NM_021930.6 (MANE Select); 5 bases into the intron before coding-DNA position 1334, A replaced by G.
Molecular consequence: intron variant.
Genome position (GRCh38, 1-based): chr7:105,551,565, A>G. VCF-style: chr7-105551565-A-G. GRCh37 (hg19) VCF-style: chr7-105192012-A-G.
Other names: c.311-5A>G (NM_001346600.2, NM_001346603.2); c.410-5A>G (NM_001346601.2); c.1100-5A>G (NM_001346599.2).
Identifiers: ClinVar variation 1770209 (VCV001770209.2), dbSNP rs2485136730, ClinGen allele CA2578984383.